The following is an entry in ClinVar:

ClinVar aggregate classification (germline): Uncertain significance (1 of 4 stars; one submission).

Submission:

Labcorp Genetics (formerly Invitae), Labcorp
Classification: Uncertain significance. Last evaluated: 2019-12-19. Review status: criteria provided, single submitter. Criteria: Invitae Variant Classification Sherloc (09022015). Collection method: clinical testing. Allele origin: germline.
Comment: In summary, the available evidence is currently insufficient to determine the role of this variant in disease. Therefore, it has been classified as a Variant of Uncertain Significance. Algorithms developed to predict the effect of missense changes on protein structure and function are either unavailable or do not agree on the potential impact of this missense change (SIFT: "Tolerated"; PolyPhen-2: "Possibly Damaging"; Align-GVGD: "Class C0"). This variant has not been reported in the literature in individuals with CDK13-related conditions. This variant is not present in population databases (ExAC no frequency). This sequence change replaces glycine with aspartic acid at codon 1061 of the CDK13 protein (p.Gly1061Asp). The glycine residue is moderately conserved and there is a moderate physicochemical difference between glycine and aspartic acid.

NM_003718.5(CDK13):c.3182G>A (p.Gly1061Asp)

Gene: CDK13 (cyclin dependent kinase 13; plus strand). Cytogenetic location: 7p14.1.
Variant type: single nucleotide variant.
Coding change: c.3182G>A on transcript NM_003718.5 (MANE Select); coding-DNA position 3182, G replaced by A.
Protein change: p.Gly1061Asp; replaces glycine 1061 with aspartic acid.
Molecular consequence: missense variant.
Genome position (GRCh38, 1-based): chr7:40,088,278, G>A. VCF-style: chr7-40088278-G-A. GRCh37 (hg19) VCF-style: chr7-40127877-G-A.
Other names: c.3182G>A, p.Gly1061Asp (NM_031267.4); short protein forms G1061D.
Identifiers: ClinVar variation 841416 (VCV000841416.9), dbSNP rs1786836631, ClinGen allele CA367293399.